The following is an entry in ClinVar:

NM_001379291.1(BRD4):c.3473G>A (p.Gly1158Glu)

Gene: BRD4 (bromodomain containing 4; minus strand). Cytogenetic location: 19p13.12.
Variant type: single nucleotide variant.
Coding change: c.3473G>A on transcript NM_001379291.1 (MANE Select); coding-DNA position 3473, G replaced by A.
Protein change: p.Gly1158Glu; replaces glycine 1158 with glutamic acid.
Molecular consequence: missense variant.
Genome position (GRCh38, 1-based): chr19:15,239,495, C>T on the plus strand (G>A on the coding strand, the complement: BRD4 is on the minus strand). VCF-style: chr19-15239495-C-T. GRCh37 (hg19) VCF-style: chr19-15350306-C-T.
Other names: c.3473G>A, p.Gly1158Glu (NM_058243.3); short protein forms G1158E.
Identifiers: ClinVar variation 2725382 (VCV002725382.3), dbSNP rs1281943471, ClinGen allele CA404499236.
Genomic context (GRCh38, chr19:15,239,495, plus strand): 5'-TCCTTGTCAGGGGCCCCTGGTGGCGGTGCGTTCTGCTCTGGGGGCCGGATCACAGGCCTC[C>T]CGACATCCACAGGCTTCATTTCCGGCCCTGGAACATAAACAGCCGGTGGGCCCTGGCCCA-3'
Protein context (NP_001366220.1, residues 1148-1168): QRPEMKPVDV[Gly1158Glu]RPVIRPPEQN

ClinVar aggregate classification (germline): Uncertain significance (1 of 4 stars; one submission).

Allele frequency attached by ClinVar (database versions not stated): TOPMed below 0.00001.

Submission:

Labcorp Genetics (formerly Invitae), Labcorp
Classification: Uncertain significance. Last evaluated: 2023-07-16. Review status: criteria provided, single submitter. Criteria: Invitae Variant Classification Sherloc (09022015). Collection method: clinical testing. Allele origin: germline.
Comment: This sequence change replaces glycine, which is neutral and non-polar, with glutamic acid, which is acidic and polar, at codon 1158 of the BRD4 protein (p.Gly1158Glu). In summary, the available evidence is currently insufficient to determine the role of this variant in disease. Therefore, it has been classified as a Variant of Uncertain Significance. An algorithm developed to predict the effect of missense changes on protein structure and function (PolyPhen-2) suggests that this variant is likely to be disruptive. This variant has not been reported in the literature in individuals affected with BRD4-related conditions. This variant is not present in population databases (gnomAD no frequency).